The following is an entry in ClinVar:

ClinVar aggregate classification (germline): Uncertain significance (1 of 4 stars; one submission).

Conditions:
Mucopolysaccharidosis, MPS-III-C (MPS3C). Also called: MPS IIIC (Sanfilippo Syndrome Type C); MUCOPOLYSACCHARIDOSIS, TYPE IIIC; Mucopolysaccharidosis type IIIC (Sanfilippo C); mucopolysaccharidosis type 3C; SANFILIPPO SYNDROME C; MPS III C. Identifiers: Orphanet 581, Orphanet 79271, MedGen C0086649, MONDO:0009657, OMIM 252930.
Retinitis pigmentosa 73 (RP73). Identifiers: Orphanet 791, MedGen C4225287, MONDO:0014687, OMIM 616544.

Allele frequency attached by ClinVar (database versions not stated): gnomAD exomes below 0.00001.
gnomAD v4.1: 1 of 1,569,788 alleles (0.000064%); highest among the groups gnomAD compares: Non-Finnish European, 0.000087%; no homozygotes.

Submission:

Labcorp Genetics (formerly Invitae), Labcorp
Classification: Uncertain significance for Retinitis pigmentosa 73; Mucopolysaccharidosis, MPS-III-C. Last evaluated: 2023-04-24. Review status: criteria provided, single submitter. Criteria: Invitae Variant Classification Sherloc (09022015). Collection method: clinical testing. Allele origin: germline.
Comment: In summary, the available evidence is currently insufficient to determine the role of this variant in disease. Therefore, it has been classified as a Variant of Uncertain Significance. An algorithm developed to predict the effect of missense changes on protein structure and function (PolyPhen-2) suggests that this variant is likely to be tolerated. ClinVar contains an entry for this variant (Variation ID: 970395). This variant has not been reported in the literature in individuals affected with HGSNAT-related conditions. This variant is not present in population databases (gnomAD no frequency). This sequence change replaces histidine, which is basic and polar, with aspartic acid, which is acidic and polar, at codon 78 of the HGSNAT protein (p.His78Asp).

NM_152419.3(HGSNAT):c.232C>G (p.His78Asp)

Gene: HGSNAT (heparan-alpha-glucosaminide N-acetyltransferase; plus strand). Cytogenetic location: 8p11.21.
Variant type: single nucleotide variant.
Coding change: c.232C>G on transcript NM_152419.3 (MANE Select); coding-DNA position 232, C replaced by G.
Protein change: p.His78Asp; replaces histidine 78 with aspartic acid.
Molecular consequence: missense variant. On other transcripts: 5 prime UTR variant (1).
Genome position (GRCh38, 1-based): chr8:43,147,061, C>G. VCF-style: chr8-43147061-C-G. GRCh37 (hg19) VCF-style: chr8-43002204-C-G.
Other names: c.232C>G, p.His78Asp (NM_001363227.2, NM_001363228.2); c.-602C>G (NM_001363229.2); short protein forms H78D.
Identifiers: ClinVar variation 970395 (VCV000970395.6), dbSNP rs1802741553, ClinGen allele CA371124994.